The following is an entry in ClinVar:

ClinVar aggregate classification (germline): Likely benign. Review status: criteria provided, multiple submitters, no conflicts (2 of 4 stars). 2 submissions from 2 submitters: Likely benign (2). Last evaluated 2023-11-09.

Conditions:
Curry-Hall syndrome (WAD). Also called: WEYERS ACRODENTAL DYSOSTOSIS. Identifiers: Orphanet 952, MedGen C0457013, MONDO:0008673, OMIM 193530.
Ellis-van Creveld syndrome (EVC). Also called: Chondroectodermal dysplasia; MESOECTODERMAL DYSPLASIA; EVC-Related Ellis-van Creveld Syndrome; EVC2-Related Ellis-van Creveld Syndrome. Identifiers: Orphanet 289, MedGen C0013903, MONDO:0009162, OMIM 225500.

Allele frequency attached by ClinVar (database versions not stated): gnomAD 0.00002; TOPMed 0.00002.
gnomAD v4.1: 13 of 1,613,958 alleles (0.00081%); highest among the groups gnomAD compares: Non-Finnish European, 0.0011%; no homozygotes.

Submissions (2):

Labcorp Genetics (formerly Invitae), Labcorp
Classification: Likely benign for Curry-Hall syndrome; Ellis-van Creveld syndrome. Last evaluated: 2023-11-09. Review status: criteria provided, single submitter. Criteria: Invitae Variant Classification Sherloc (09022015). Collection method: clinical testing. Allele origin: germline.

GeneDx
Classification: Likely benign. Last evaluated: 2017-08-28. Review status: criteria provided, single submitter. Criteria: GeneDx Variant Classification (06012015). Collection method: clinical testing. Allele origin: germline. Affected: yes.
Comment: This variant is considered likely benign or benign based on one or more of the following criteria: it is a conservative change, it occurs at a poorly conserved position in the protein, it is predicted to be benign by multiple in silico algorithms, and/or has population frequency not consistent with disease.

NM_147127.5(EVC2):c.2046+20A>C

Gene: EVC2 (EvC ciliary complex subunit 2; minus strand). Cytogenetic location: 4p16.2.
Variant type: single nucleotide variant.
Coding change: c.2046+20A>C on transcript NM_147127.5 (MANE Select); 20 bases into the intron after coding-DNA position 2046, A replaced by C.
Molecular consequence: intron variant.
Genome position (GRCh38, 1-based): chr4:5,625,729, T>G on the plus strand (A>C on the coding strand, the complement: EVC2 is on the minus strand). VCF-style: chr4-5625729-T-G. GRCh37 (hg19) VCF-style: chr4-5627456-T-G.
Other names: c.1806+20A>C (NM_001166136.2).
Identifiers: ClinVar variation 511760 (VCV000511760.4), dbSNP rs777490147, ClinGen allele CA2834849.